The following is an entry in ClinVar:

NM_001267550.2(TTN):c.67104A>C (p.Lys22368Asn)

Genes: TTN (titin; minus strand), TTN-AS1 (TTN antisense RNA 1; plus strand). Cytogenetic location: 2q31.2.
Variant type: single nucleotide variant.
Coding change: c.67104A>C on transcript NM_001267550.2 (MANE Select); coding-DNA position 67104, A replaced by C.
Protein change: p.Lys22368Asn; replaces lysine 22368 with asparagine.
Molecular consequence: missense variant.
Genome position (GRCh38, 1-based): chr2:178,580,183, T>G on the plus strand (A>C on the coding strand, the complement: TTN is on the minus strand). VCF-style: chr2-178580183-T-G. GRCh37 (hg19) VCF-style: chr2-179444910-T-G.
Other names: c.59400A>C, p.Lys19800Asn (NM_133378.4); c.67104A>C (NM_001267550.1); c.62181A>C, p.Lys20727Asn (NM_001256850.1); c.39909A>C, p.Lys13303Asn (NM_003319.4); c.40284A>C, p.Lys13428Asn (NM_133432.3); c.40485A>C, p.Lys13495Asn (NM_133437.4); short protein forms K19800N, K22368N, K13303N, K20727N, K13428N, K13495N.
Identifiers: ClinVar variation 165883 (VCV000165883.33), dbSNP rs727503577, ClinGen allele CA178580.
Genomic context (GRCh38, chr2:178,580,183, plus strand): 5'-GTTTATGATGGGGCTTCCGCCATCAATAATGGGAGGCTCCCAGGTAACATAAGCAGAGTC[T>G]TTGGATATTTCCTTAACAGTCACATTGACAGGTGGCCCAGGAGTATCTGGATAAATAGTA-3'
Protein context (NP_001254479.2, residues 22358-22378): PVNVTVKEIS[Lys22368Asn]DSAYVTWEPP

ClinVar aggregate classification (germline): Conflicting classifications of pathogenicity. Review status: criteria provided, conflicting classifications (1 of 4 stars). 13 submissions from 9 submitters: Uncertain significance (7); Likely benign (6). Last evaluated 2025-12-24.

Conditions:
Autosomal recessive limb-girdle muscular dystrophy type 2J (LGMDR10). Also called: MUSCULAR DYSTROPHY, LIMB-GIRDLE, AUTOSOMAL RECESSIVE 10; Limb-girdle muscular dystrophy, type 2J. Identifiers: Orphanet 140922, MedGen C1837342, MONDO:0012127, OMIM 608807.
Dilated cardiomyopathy 1G (CMD1G). Identifiers: Orphanet 154, MedGen C1858763, MONDO:0011400, OMIM 604145.
Cardiomyopathy (CMYO). Also called: Cardiomyopathies. Identifiers: Orphanet 167848, MedGen C0878544, MONDO:0004994, HP:0001638. Inheritance: Various modes of inheritance.
Tibial muscular dystrophy (TMD). Also called: Tibial muscular dystrophy, tardive; Udd Distal Myopathy – Tibial Muscular Dystrophy; UDD MYOPATHY. Identifiers: Orphanet 609, MedGen C1838244, MONDO:0010870, OMIM 600334.
Early-onset myopathy with fatal cardiomyopathy (CMYO5). Also called: CONGENITAL MYOPATHY 5 WITH CARDIOMYOPATHY; Salih Myopathy. Identifiers: Orphanet 289377, MedGen C2673677, MONDO:0012714, OMIM 611705. Disease mechanism: loss of function.
Myopathy, myofibrillar, 9, with early respiratory failure (MFM9). Also called: Myopathy, distal, with early respiratory failure, autosomal dominant; EDSTROM MYOPATHY; MYOPATHY, PROXIMAL, WITH EARLY RESPIRATORY MUSCLE INVOLVEMENT; Hereditary myopathy with early respiratory failure. Identifiers: Orphanet 178464, Orphanet 34521, MedGen C1863599, MONDO:0011362, OMIM 603689.

Allele frequency attached by ClinVar (database versions not stated): gnomAD exomes 0.00003 and 0.00004; TOPMed 0.00003; ExAC 0.00004; gnomAD 0.00005.
gnomAD v4.1: 55 of 1,613,072 alleles (0.0034%); highest among the groups gnomAD compares: Middle Eastern, 0.016%; no homozygotes.

Submissions (13):

Labcorp Genetics (formerly Invitae), Labcorp
Classification: Likely benign for Dilated cardiomyopathy 1G; Autosomal recessive limb-girdle muscular dystrophy type 2J. Last evaluated: 2025-12-24. Review status: criteria provided, single submitter. Criteria: Invitae Variant Classification Sherloc (09022015). Collection method: clinical testing. Allele origin: germline.

Molecular Diagnostic Laboratory for Inherited Cardiovascular Disease, Montreal Heart Institute
Classification: Likely benign. Last evaluated: 2025-04-09. Review status: criteria provided, single submitter. Criteria: ACMG Guidelines, 2015. Collection method: clinical testing. Allele origin: germline. Affected: no.

CHEO Genetics Diagnostic Laboratory, Children's Hospital of Eastern Ontario
Classification: Uncertain significance for Cardiomyopathy. Last evaluated: 2021-09-28. Review status: criteria provided, single submitter. Criteria: ACMG Guidelines, 2015. Collection method: clinical testing. Allele origin: germline.

GeneDx
Classification: Likely benign. Last evaluated: 2021-02-25. Review status: criteria provided, single submitter. Criteria: GeneDx Variant Classification Process June 2021. Collection method: clinical testing. Allele origin: germline. Affected: yes.
Comment: This variant is associated with the following publications: (PMID: 28223422, 29540445)

Athena Diagnostics
Classification: Likely benign. Last evaluated: 2020-10-19. Review status: criteria provided, single submitter. Criteria: Athena Diagnostics criteria. Collection method: clinical testing. Allele origin: unknown.

ARUP Laboratories, Molecular Genetics and Genomics, ARUP Laboratories
Classification: Uncertain significance. Last evaluated: 2018-10-28. Review status: criteria provided, single submitter. Criteria: ARUP Molecular Germline Variant Investigation Process. Collection method: clinical testing. Allele origin: germline.
Comment: The TTN c.59400A>C; p.Lys19800Asn variant (rs727503577; ClinVar Variation ID: 165883) is rare in the general population (<1% allele frequency in the Genome Aggregation Database) and has not been reported in the medical literature in association with dilated cardiomyopathy (DCM) or other TTN-related disease. The clinical relevance of rare missense variants in this gene, which are identified on average once per individual sequenced in affected populations (Herman 2012), is not well understood. Yet, evidence suggests that the vast majority of such missense variants do not contribute to the clinical outcome of DCM (Begay 2015). Thus, the clinical significance of the p.Lys19800Asn variant cannot be determined with certainty. References: Begay RL et al. Role of Titin Missense Variants in Dilated Cardiomyopathy. J Am Heart Assoc. 2015 Nov 13;4(11). Herman DS et al. Truncations of titin causing dilated cardiomyopathy. N Engl J Med. 2012 Feb 16;366(7):619-28.

Illumina Laboratory Services, Illumina
Classification: Uncertain significance for Early-onset myopathy with fatal cardiomyopathy. Last evaluated: 2018-01-12. Review status: criteria provided, single submitter. Criteria: ICSL Variant Classification Criteria 13 December 2019. Collection method: clinical testing. Allele origin: germline.

Illumina Laboratory Services, Illumina
Classification: Uncertain significance for Dilated cardiomyopathy 1G. Last evaluated: 2018-01-12. Review status: criteria provided, single submitter. Criteria: ICSL Variant Classification Criteria 13 December 2019. Collection method: clinical testing. Allele origin: germline.

Illumina Laboratory Services, Illumina
Classification: Likely benign for Myopathy, myofibrillar, 9, with early respiratory failure. Last evaluated: 2018-01-12. Review status: criteria provided, single submitter. Criteria: ICSL Variant Classification Criteria 13 December 2019. Collection method: clinical testing. Allele origin: germline.
Comment: This variant was observed in the ICSL laboratory as part of a predisposition screen in an ostensibly healthy population. It had not been previously curated by ICSL or reported in the Human Gene Mutation Database (HGMD: prior to June 1st, 2018), and was therefore a candidate for classification through an automated scoring system. Utilizing variant allele frequency, disease prevalence and penetrance estimates, and inheritance mode, an automated score was calculated to assess if this variant is too frequent to cause the disease. Based on the score and internal cut-off values, a variant classified as likely benign is not then subjected to further curation. The score for this variant resulted in a classification of likely benign for this disease.

Illumina Laboratory Services, Illumina
Classification: Uncertain significance for Autosomal recessive limb-girdle muscular dystrophy type 2J. Last evaluated: 2018-01-12. Review status: criteria provided, single submitter. Criteria: ICSL Variant Classification Criteria 13 December 2019. Collection method: clinical testing. Allele origin: germline.

Illumina Laboratory Services, Illumina
Classification: Likely benign for Tibial muscular dystrophy. Last evaluated: 2018-01-12. Review status: criteria provided, single submitter. Criteria: ICSL Variant Classification Criteria 13 December 2019. Collection method: clinical testing. Allele origin: germline.
Comment: the same text as in the submission from Illumina Laboratory Services, Illumina above.

Eurofins Ntd Llc (ga)
Classification: Uncertain significance. Last evaluated: 2014-12-05. Review status: criteria provided, single submitter. Criteria: EGL Classification Definitions 2015. Collection method: clinical testing. Allele origin: germline. Observed: 1 variant allele, 1 heterozygote.

Laboratory for Molecular Medicine, Mass General Brigham Personalized Medicine
Classification: Uncertain significance. Last evaluated: 2014-02-13. Review status: criteria provided, single submitter. Criteria: LMM Criteria. Collection method: clinical testing. Allele origin: germline. Observed: 3 variant alleles.
Comment: The Lys19800Asn variant in TTN has been identified by our laboratory in 1 adult with HCM and in 1 infant with HCM, LVNC, CHD, and other syndromic features (LMM unpublished data). This variant has not been identified in large and broad Europ ean American and African American populations by the NHLBI Exome Sequencing Proj ect, though it may be present in other popula tions. Lysine (Lys) at position 19800 is not conserved in mammals, suggesting th at a change at this position may be tolerated. Additional computational analyses (biochemical amino acid properties, AlignGVGD, PolyPhen2, and SIFT) do not prov ide strong support for or against an impact to the protein. Additional studies a re needed to fully assess the clinical significance of this variant.